The following is an entry in ClinVar:

NM_001367624.2(ZNF469):c.9620C>T (p.Ala3207Val)

Gene: ZNF469 (zinc finger protein 469; plus strand). Cytogenetic location: 16q24.2.
Variant type: single nucleotide variant.
Coding change: c.9620C>T on transcript NM_001367624.2 (MANE Select); coding-DNA position 9620, C replaced by T.
Protein change: p.Ala3207Val; replaces alanine 3207 with valine.
Molecular consequence: missense variant.
Genome position (GRCh38, 1-based): chr16:88,437,090, C>T. VCF-style: chr16-88437090-C-T. GRCh37 (hg19) VCF-style: chr16-88503498-C-T.
Other names: NM_001127464.1:c.9536C>T; NM_001127464.2:c.9536C>T; p.Ala3207Val; short protein forms A3207V.
Identifiers: ClinVar variation 1203514 (VCV001203514.16), dbSNP rs563202944, ClinGen allele CA8225441.

ClinVar aggregate classification (germline): Conflicting classifications of pathogenicity. Review status: criteria provided, conflicting classifications (1 of 4 stars). 6 submissions from 6 submitters: Uncertain significance (4); Likely benign (2). Last evaluated 2026-09-11.

Conditions:
ZNF469-related disorder. Also called: ZNF469-related condition.
Cardiovascular phenotype. Identifiers: MedGen CN230736.

Allele frequency attached by ClinVar (database versions not stated): ExAC 0.00009; gnomAD exomes 0.00012; TOPMed 0.00013; gnomAD 0.00014 and 0.00015; 1000 Genomes Project 0.00020; 1000 Genomes Project 30x 0.00031.
gnomAD v4.1: 428 of 1,545,008 alleles (0.028%); highest among the groups gnomAD compares: Non-Finnish European, 0.035%; 1 homozygote.

Submissions (6):

GeneDx
Classification: Uncertain significance. Last evaluated: 2026-09-11. Review status: criteria provided, single submitter. Criteria: GeneDx Variant Classification Process June 2021. Collection method: clinical testing. Allele origin: germline.
Comment: In silico analysis suggests that this missense variant does not alter protein structure/function; Has not been previously published as pathogenic or benign to our knowledge

Women's Health and Genetics/Laboratory Corporation of America, LabCorp
Classification: Uncertain significance. Last evaluated: 2026-01-13. Review status: criteria provided, single submitter. Criteria: LabCorp Variant Classification Summary - May 2015. Collection method: clinical testing. Allele origin: germline.
Comment: Variant summary: ZNF469 c.9620C>T (p.Ala3207Val) results in a non-conservative amino acid change in the encoded protein sequence. Algorithms developed to predict the effect of missense changes on protein structure and function are either unavailable or do not agree on the potential impact of this missense change. The variant allele was found at a frequency of 0.00012 in 136672 control chromosomes. This frequency is not significantly higher than estimated for disease-causing variants in ZNF469, allowing no conclusion about variant significance. c.9620C>T has been observed in individual(s) affected with Keratoconus (Lombardo_2024). These report(s) do not provide unequivocal conclusions about association of the variant with Brittle cornea syndrome 1. To our knowledge, no experimental evidence demonstrating an impact on protein function has been reported. The following publication has been ascertained in the context of this evaluation (PMID: 38684849). ClinVar contains an entry for this variant (Variation ID: 1203514). Based on the evidence outlined above, the variant was classified as uncertain significance.

Mayo Clinic Laboratories, Mayo Clinic
Classification: Likely benign. Last evaluated: 2025-06-27. Review status: criteria provided, single submitter. Criteria: ACMG Guidelines, 2015. Collection method: clinical testing. Allele origin: germline. Observed: 2 variant alleles.
Comment: BS1, BP4

PreventionGenetics, part of Exact Sciences
Classification: Uncertain significance for ZNF469-related condition. Last evaluated: 2023-03-30. Review status: criteria provided, single submitter. Criteria: ACMG Guidelines, 2015. Collection method: clinical testing. Allele origin: germline.
Comment: The ZNF469 c.9536C>T variant is predicted to result in the amino acid substitution p.Ala3179Val. To our knowledge, this variant has not been reported in the literature. This variant is reported in 0.028% of alleles in individuals of European (Non-Finnish) descent in gnomAD. At this time, the clinical significance of this variant is uncertain due to the absence of conclusive functional and genetic evidence.

Ambry Genetics
Classification: Likely benign for Cardiovascular phenotype. Last evaluated: 2022-10-06. Review status: criteria provided, single submitter. Criteria: Ambry Variant Classification Scheme 2023. Collection method: clinical testing. Allele origin: germline.

Labcorp Genetics (formerly Invitae), Labcorp
Classification: Uncertain significance. Last evaluated: 2022-08-16. Review status: criteria provided, single submitter. Criteria: Invitae Variant Classification Sherloc (09022015). Collection method: clinical testing. Allele origin: germline.
Comment: This sequence change replaces alanine, which is neutral and non-polar, with valine, which is neutral and non-polar, at codon 3179 of the ZNF469 protein (p.Ala3179Val). This variant is present in population databases (rs563202944, gnomAD 0.03%). This variant has not been reported in the literature in individuals affected with ZNF469-related conditions. ClinVar contains an entry for this variant (Variation ID: 1203514). Algorithms developed to predict the effect of missense changes on protein structure and function output the following: SIFT: "Tolerated"; PolyPhen-2: "Benign"; Align-GVGD: "Class C0". The valine amino acid residue is found in multiple mammalian species, which suggests that this missense change does not adversely affect protein function. Algorithms developed to predict the effect of sequence changes on RNA splicing suggest that this variant may create or strengthen a splice site. In summary, the available evidence is currently insufficient to determine the role of this variant in disease. Therefore, it has been classified as a Variant of Uncertain Significance.

Literature cited by the submitters: PubMed 38684849 (cited by Women's Health and Genetics/Laboratory Corporation of America, LabCorp).